The following is an entry in ClinVar:

NM_000414.4(HSD17B4):c.1020G>A (p.Thr340=)

Gene: HSD17B4 (hydroxysteroid 17-beta dehydrogenase 4; plus strand). Cytogenetic location: 5q23.1.
Variant type: single nucleotide variant.
Coding change: c.1020G>A on transcript NM_000414.4 (MANE Select); coding-DNA position 1020, G replaced by A.
Protein change: p.Thr340=; no amino-acid change (threonine 340 retained).
Molecular consequence: synonymous variant. On other transcripts: non-coding transcript variant (2).
Genome position (GRCh38, 1-based): chr5:119,499,364, G>A. VCF-style: chr5-119499364-G-A. GRCh37 (hg19) VCF-style: chr5-118835059-G-A.
Other names: c.1095G>A, p.Thr365= (NM_001199291.3); c.966G>A, p.Thr322= (NM_001199292.2); c.948G>A, p.Thr316= (NM_001292027.2); c.600G>A, p.Thr200= (NM_001292028.2); c.1011G>A, p.Thr337= (NM_001374497.1); c.1020G>A, p.Thr340= (NM_001374498.1); c.693G>A, p.Thr231= (NM_001374499.1); c.579G>A, p.Thr193= (NM_001374500.1); and 1 more.
Identifiers: ClinVar variation 1703448 (VCV001703448.5), dbSNP rs1280748749, ClinGen allele CA446219103.

ClinVar aggregate classification (germline): Uncertain significance. Review status: criteria provided, single submitter (1 of 4 stars). 2 submissions from 2 submitters: Uncertain significance (1). 1 of the submissions does not count toward it. Last evaluated 2023-10-02.

Conditions:
HSD17B4-related disorder. Also called: HSD17B4-related disorders; HSD17B4-related condition.

Allele frequency attached by ClinVar (database versions not stated): gnomAD exomes 0.00001; TOPMed 0.00001.
gnomAD v4.1: 8 of 1,613,822 alleles (0.0005%); highest among the groups gnomAD compares: East Asian, 0.0045%; no homozygotes.

Submissions (2):

GeneDx
Classification: Uncertain significance. Last evaluated: 2023-10-02. Review status: criteria provided, single submitter. Criteria: GeneDx Variant Classification Process June 2021. Collection method: clinical testing. Allele origin: germline.
Comment: Not observed at significant frequency in large population cohorts (gnomAD); In silico analysis supports a deleterious effect on splicing; Has not been previously published as pathogenic or benign to our knowledge

PreventionGenetics, part of Exact Sciences
Classification: Uncertain significance for HSD17B4-related condition. Last evaluated: 2023-11-30. Review status: no assertion criteria provided. Collection method: clinical testing. Allele origin: germline. Not counted in ClinVar's aggregate classification.
Comment: The HSD17B4 c.1020G>A variant is not predicted to result in an amino acid change (p.=). To our knowledge, this variant has not been reported in the literature or in a large population database, indicating this variant is rare. This variant is predicted to alter splicing based on available splicing prediction programs (Alamut Visual v2.11). However, such computer prediction programs are imperfect, and therefore the clinical significance of this variant is currently uncertain.